The following is an entry in ClinVar:

NM_000257.4(MYH7):c.461T>C (p.Ile154Thr)

Gene: MYH7 (myosin heavy chain 7; minus strand). Cytogenetic location: 14q11.2.
Variant type: single nucleotide variant.
Coding change: c.461T>C on transcript NM_000257.4 (MANE Select); coding-DNA position 461, T replaced by C.
Protein change: p.Ile154Thr; replaces isoleucine 154 with threonine.
Molecular consequence: missense variant.
Genome position (GRCh38, 1-based): chr14:23,432,680, A>G on the plus strand (T>C on the coding strand, the complement: MYH7 is on the minus strand). VCF-style: chr14-23432680-A-G. GRCh37 (hg19) VCF-style: chr14-23901889-A-G.
Other names: short protein forms I154T.
Identifiers: ClinVar variation 643487 (VCV000643487.10), dbSNP rs1595090551, ClinGen allele CA389052775.

ClinVar aggregate classification (germline): Uncertain significance. Review status: criteria provided, multiple submitters, no conflicts (2 of 4 stars). 2 submissions from 2 submitters: Uncertain significance (2). Last evaluated 2020-10-22.

Conditions:
Hypertrophic cardiomyopathy. Also called: HYPERTROPHIC MYOCARDIOPATHY. Identifiers: Orphanet 217569, MedGen C0007194, MeSH D002312, MONDO:0005045, HP:0001639.

Submissions (2):

GeneDx
Classification: Uncertain significance. Last evaluated: 2020-10-22. Review status: criteria provided, single submitter. Criteria: GeneDx Variant Classification Process June 2021. Collection method: clinical testing. Allele origin: germline. Affected: yes.
Comment: Not observed in large population cohorts (Lek et al., 2016); In silico analysis supports that this missense variant has a deleterious effect on protein structure/function; Has not been previously published as pathogenic or benign to our knowledge; Reported in ClinVar as a variant of uncertain significance (ClinVar Variant ID# 643487; Landrum et al., 2016)

Labcorp Genetics (formerly Invitae), Labcorp
Classification: Uncertain significance for Hypertrophic cardiomyopathy. Last evaluated: 2018-12-03. Review status: criteria provided, single submitter. Criteria: Invitae Variant Classification Sherloc (09022015). Collection method: clinical testing. Allele origin: germline.
Comment: In summary, the available evidence is currently insufficient to determine the role of this variant in disease. Therefore, it has been classified as a Variant of Uncertain Significance. Algorithms developed to predict the effect of missense changes on protein structure and function are either unavailable or do not agree on the potential impact of this missense change (SIFT: "Deleterious"; PolyPhen-2: "Probably Damaging"; Align-GVGD: "Class C0"). This variant has not been reported in the literature in individuals with MYH7-related conditions. This variant is not present in population databases (ExAC no frequency). This sequence change replaces isoleucine with threonine at codon 154 of the MYH7 protein (p.Ile154Thr). The isoleucine residue is highly conserved and there is a moderate physicochemical difference between isoleucine and threonine.